The following is an entry in ClinVar:

NM_012470.4(TNPO3):c.788T>G (p.Leu263Trp)

Gene: TNPO3 (transportin 3; minus strand). Cytogenetic location: 7q32.1.
Variant type: single nucleotide variant.
Coding change: c.788T>G on transcript NM_012470.4 (MANE Select); coding-DNA position 788, T replaced by G.
Protein change: p.Leu263Trp; replaces leucine 263 with tryptophan.
Molecular consequence: missense variant. On other transcripts: non-coding transcript variant (18).
Genome position (GRCh38, 1-based): chr7:129,001,143, A>C on the plus strand (T>G on the coding strand, the complement: TNPO3 is on the minus strand). VCF-style: chr7-129001143-A-C. GRCh37 (hg19) VCF-style: chr7-128641197-A-C.
Other names: c.788T>G, p.Leu263Trp (NM_001191028.3, NM_001382216.1, NM_001382218.1 and 4 more transcripts); c.869T>G, p.Leu290Trp (NM_001382217.1); c.644T>G, p.Leu215Trp (NM_001382221.1); short protein forms L215W, L263W, L290W.
Identifiers: ClinVar variation 2437146 (VCV002437146.5), dbSNP rs1218655667, ClinGen allele CA369238990.

ClinVar aggregate classification (germline): Uncertain significance. Review status: criteria provided, multiple submitters, no conflicts (2 of 4 stars). 3 submissions from 3 submitters: Uncertain significance (3). Last evaluated 2025-07-15.

Conditions:
Inborn genetic diseases. Identifiers: MedGen C0950123, MeSH D030342.
Autosomal dominant limb-girdle muscular dystrophy type 1F (LGMDD2). Also called: MUSCULAR DYSTROPHY, LIMB-GIRDLE, AUTOSOMAL DOMINANT 2; Limb-girdle muscular dystrophy, type 1F. Identifiers: Orphanet 55595, MedGen C1842062, MONDO:0012034, OMIM 608423.

Allele frequency attached by ClinVar (database versions not stated): gnomAD exomes 0.00001; TOPMed 0.00001; gnomAD 0.00001.
gnomAD v4.1: 20 of 1,614,052 alleles (0.0012%); highest among the groups gnomAD compares: Non-Finnish European, 0.0016%; no homozygotes.

Submissions (3):

Labcorp Genetics (formerly Invitae), Labcorp
Classification: Uncertain significance for Autosomal dominant limb-girdle muscular dystrophy type 1F. Last evaluated: 2025-07-15. Review status: criteria provided, single submitter. Criteria: Invitae Variant Classification Sherloc (09022015). Collection method: clinical testing. Allele origin: germline.
Comment: This sequence change replaces leucine, which is neutral and non-polar, with tryptophan, which is neutral and slightly polar, at codon 263 of the TNPO3 protein (p.Leu263Trp). This variant is not present in population databases (gnomAD no frequency). This variant has not been reported in the literature in individuals affected with TNPO3-related conditions. ClinVar contains an entry for this variant (Variation ID: 2437146). Invitae Evidence Modeling of protein sequence and biophysical properties (such as structural, functional, and spatial information, amino acid conservation, physicochemical variation, residue mobility, and thermodynamic stability) indicates that this missense variant is not expected to disrupt TNPO3 protein function with a negative predictive value of 80%. In summary, the available evidence is currently insufficient to determine the role of this variant in disease. Therefore, it has been classified as a Variant of Uncertain Significance.

Ambry Genetics
Classification: Uncertain significance for Inborn genetic diseases. Last evaluated: 2023-09-25. Review status: criteria provided, single submitter. Criteria: Ambry Variant Classification Scheme 2023. Collection method: clinical testing. Allele origin: germline.

Revvity Omics, Revvity
Classification: Uncertain significance for Autosomal dominant limb-girdle muscular dystrophy type 1F. Last evaluated: 2022-12-23. Review status: criteria provided, single submitter. Criteria: ACMG Guidelines, 2015. Collection method: clinical testing. Allele origin: germline.